The following is an entry in ClinVar:

ClinVar aggregate classification (germline): Uncertain significance (1 of 4 stars; one submission).

Submission:

GeneDx
Classification: Uncertain significance. Last evaluated: 2025-01-30. Review status: criteria provided, single submitter. Criteria: GeneDx Variant Classification Process June 2021. Collection method: clinical testing. Allele origin: germline. Affected: yes.
Comment: Not observed at significant frequency in large population cohorts (gnomAD); In silico analysis supports a deleterious effect on splicing; In silico analysis supports that this missense variant has a deleterious effect on protein structure/function; Has not been previously published as pathogenic or benign to our knowledge

NM_004415.4(DSP):c.1139A>G (p.Gln380Arg)

Gene: DSP (desmoplakin; plus strand). Cytogenetic location: 6p24.3.
Variant type: single nucleotide variant.
Coding change: c.1139A>G on transcript NM_004415.4 (MANE Select); coding-DNA position 1139, A replaced by G.
Protein change: p.Gln380Arg; replaces glutamine 380 with arginine.
Molecular consequence: missense variant.
Genome position (GRCh38, 1-based): chr6:7,567,448, A>G. VCF-style: chr6-7567448-A-G. GRCh37 (hg19) VCF-style: chr6-7567681-A-G.
Other names: c.1139A>G, p.Gln380Arg (NM_001008844.3, NM_001319034.2, NM_001406591.1); short protein forms Q380R.
Identifiers: ClinVar variation 4072549 (VCV004072549.1).